The following is an entry in ClinVar:

NM_000256.3(MYBPC3):c.3446A>T (p.Asp1149Val)

Gene: MYBPC3 (myosin binding protein C3; minus strand). Cytogenetic location: 11p11.2.
Variant type: single nucleotide variant.
Coding change: c.3446A>T on transcript NM_000256.3 (MANE Select); coding-DNA position 3446, A replaced by T.
Protein change: p.Asp1149Val; replaces aspartic acid 1149 with valine.
Molecular consequence: missense variant.
Genome position (GRCh38, 1-based): chr11:47,332,858, T>A on the plus strand (A>T on the coding strand, the complement: MYBPC3 is on the minus strand). VCF-style: chr11-47332858-T-A. GRCh37 (hg19) VCF-style: chr11-47354409-T-A.
Other names: short protein forms D1149V.
Identifiers: ClinVar variation 927856 (VCV000927856.5), dbSNP rs2095878563, ClinGen allele CA380313233.

ClinVar aggregate classification (germline): Uncertain significance (1 of 4 stars; one submission).

Conditions:
Cardiomyopathy (CMYO). Also called: Cardiomyopathies. Identifiers: Orphanet 167848, MedGen C0878544, MONDO:0004994, HP:0001638. Inheritance: Various modes of inheritance.

Submission:

Color Diagnostics, LLC DBA Color Health
Classification: Uncertain significance for Cardiomyopathy. Last evaluated: 2023-12-05. Review status: criteria provided, single submitter. Criteria: ACMG Guidelines, 2015. Collection method: clinical testing. Allele origin: germline.
Comment: Variant of Uncertain Significance due to insufficient evidence: This missense variant is located in the fibronectin type 3 domain C9 of the MYBPC3 protein. Computational prediction tools and conservation analyses suggest that this variant may have deleterious impact on the protein function. Computational splicing tools suggest that this variant may not impact RNA splicing. To our knowledge, functional assays have not been performed for this variant nor has this variant been reported in individuals affected with cardiovascular disorders in the literature. This variant is rare in the general population and has been identified in 0/277264 chromosomes by the Genome Aggregation Database (gnomAD). Available evidence is insufficient to determine the pathogenicity of this variant conclusively.